The following is an entry in ClinVar:

NM_006361.6(HOXB13):c.422C>T (p.Ala141Val)

Gene: HOXB13 (homeobox B13; minus strand). Cytogenetic location: 17q21.32.
Variant type: single nucleotide variant.
Coding change: c.422C>T on transcript NM_006361.6 (MANE Select); coding-DNA position 422, C replaced by T.
Protein change: p.Ala141Val; replaces alanine 141 with valine.
Molecular consequence: missense variant.
Genome position (GRCh38, 1-based): chr17:48,728,172, G>A on the plus strand (C>T on the coding strand, the complement: HOXB13 is on the minus strand). VCF-style: chr17-48728172-G-A. GRCh37 (hg19) VCF-style: chr17-46805534-G-A.
Other names: short protein forms A141V.
Identifiers: ClinVar variation 2906216 (VCV002906216.3), dbSNP rs556045007, ClinGen allele CA8633987.

ClinVar aggregate classification (germline): Uncertain significance (1 of 4 stars; one submission).

Allele frequency attached by ClinVar (database versions not stated): ExAC 0.00001; gnomAD 0.00001; 1000 Genomes Project 30x 0.00016; 1000 Genomes Project 0.00020.

Submission:

Labcorp Genetics (formerly Invitae), Labcorp
Classification: Uncertain significance. Last evaluated: 2023-05-03. Review status: criteria provided, single submitter. Criteria: Invitae Variant Classification Sherloc (09022015). Collection method: clinical testing. Allele origin: germline.
Comment: In summary, the available evidence is currently insufficient to determine the role of this variant in disease. Therefore, it has been classified as a Variant of Uncertain Significance. Algorithms developed to predict the effect of sequence changes on RNA splicing suggest that this variant may create or strengthen a splice site. Advanced modeling of protein sequence and biophysical properties (such as structural, functional, and spatial information, amino acid conservation, physicochemical variation, residue mobility, and thermodynamic stability) performed at Invitae indicates that this missense variant is not expected to disrupt HOXB13 protein function. This variant has not been reported in the literature in individuals affected with HOXB13-related conditions. This variant is present in population databases (rs556045007, gnomAD 0.006%). This sequence change replaces alanine, which is neutral and non-polar, with valine, which is neutral and non-polar, at codon 141 of the HOXB13 protein (p.Ala141Val).